The following is an entry in ClinVar:

NM_030632.3(ASXL3):c.1526T>G (p.Leu509Ter)

Gene: ASXL3 (ASXL transcriptional regulator 3; plus strand). Cytogenetic location: 18q12.1.
Variant type: single nucleotide variant.
Coding change: c.1526T>G on transcript NM_030632.3 (MANE Select); coding-DNA position 1526, T replaced by G.
Protein change: p.Leu509Ter; replaces leucine 509 with a stop codon.
Molecular consequence: nonsense.
Genome position (GRCh38, 1-based): chr18:33,738,930, T>G. VCF-style: chr18-33738930-T-G. GRCh37 (hg19) VCF-style: chr18-31318894-T-G.
Other names: short protein forms L509*.
Identifiers: ClinVar variation 3255111 (VCV003255111.1), dbSNP rs2510916863.

ClinVar aggregate classification (germline): Pathogenic (1 of 4 stars; one submission).

Conditions:
Bainbridge-Ropers syndrome. Also called: Severe feeding difficulties-failure to thrive-microcephaly due to ASXL3 deficiency syndrome. Identifiers: Orphanet 352577, MedGen C4750837, MONDO:0014205, OMIM 615485.

Submission:

Victorian Clinical Genetics Services, Murdoch Childrens Research Institute
Classification: Pathogenic for Bainbridge-Ropers syndrome. Last evaluated: 2023-07-17. Review status: criteria provided, single submitter. Criteria: ACMG Guidelines, 2015. Collection method: clinical testing. Allele origin: germline. Inheritance: Autosomal dominant inheritance. Affected: yes.
Comment: Based on the classification scheme VCGS_Germline_v1.3.4, this variant is classified as Pathogenic. Following criteria are met: 0102 - Loss of function is a known mechanism of disease in this gene and is associated with Bainbridge-Ropers syndrome (MIM#615485; PMID: 33151654). Dominant negative has also been suggested as a mechanism (PMID: 23383720). (I) 0107 - This gene is associated with autosomal dominant disease. (I) 0201 - Variant is predicted to cause nonsense-mediated decay (NMD) and loss of protein (premature termination codon is located at least 54 nucleotides upstream of the final exon-exon junction). (SP) 0251 - This variant is heterozygous. (I) 0301 - Variant is absent from gnomAD (both v2 and v3). (SP) 0701 - Other NMD predicted variants comparable to the one identified in this case have very strong previous evidence for pathogenicity (DECIPHER). (SP) 0807 - This variant has no previous evidence of pathogenicity. (I) 0905 - No published segregation evidence has been identified for this variant. (I) 1007 - No published functional evidence has been identified for this variant. (I) 1208 - Inheritance information for this variant is not currently available in this individual. (I) Legend: (SP) - Supporting pathogenic, (I) - Information, (SB) - Supporting benign

Literature cited by the submitters: PubMed 23383720; PubMed 33151654.